The following is an entry in ClinVar:

ClinVar aggregate classification (germline): Uncertain significance (1 of 4 stars; one submission).

Allele frequency attached by ClinVar (database versions not stated): gnomAD exomes 0.00001.
gnomAD v4.1: 10 of 1,610,504 alleles (0.00062%); highest among the groups gnomAD compares: Non-Finnish European, 0.00085%; no homozygotes.

Submission:

Greenwood Genetic Center Diagnostic Laboratories, Greenwood Genetic Center
Classification: Uncertain significance. Last evaluated: 2023-07-20. Review status: criteria provided, single submitter. Criteria: ACMG Guidelines, 2015. Collection method: clinical testing. Allele origin: germline. Affected: yes.
Comment: Gene of Uncertain Significance

NM_207396.3(RNF207):c.1744G>A (p.Gly582Arg)

Gene: RNF207 (ring finger protein 207; plus strand). Cytogenetic location: 1p36.31.
Variant type: single nucleotide variant.
Coding change: c.1744G>A on transcript NM_207396.3 (MANE Select); coding-DNA position 1744, G replaced by A.
Protein change: p.Gly582Arg; replaces glycine 582 with arginine.
Molecular consequence: missense variant.
Genome position (GRCh38, 1-based): chr1:6,219,246, G>A. VCF-style: chr1-6219246-G-A. GRCh37 (hg19) VCF-style: chr1-6279306-G-A.
Other names: short protein forms G582R.
Identifiers: ClinVar variation 2626994 (VCV002626994.1), dbSNP rs1668465135, ClinGen allele CA338076695.
Genomic context (GRCh38, chr1:6,219,246, plus strand): 5'-TATGGTGAAATGGGGGAGCGGGCTGGGCTTACATGAGGCTGTCCCTTTAGGAATAATCCA[G>A]GAAGTGTCCCGGAAAAGAGAGAGAAGACATCAGAGCCTAAAGGAAACAGCTGGGCTCCGA-3'
Protein context (NP_997279.2, residues 572-592): NNAASARNNP[Gly582Arg]SVPEKREKTS